The following is an entry in ClinVar:

ClinVar aggregate classification (germline): Uncertain significance. Review status: criteria provided, multiple submitters, no conflicts (2 of 4 stars). 2 submissions from 2 submitters: Uncertain significance (2). Last evaluated 2022-11-23.

Conditions:
Hereditary cancer-predisposing syndrome. Also called: Hereditary neoplastic syndrome; Tumor predisposition; Neoplastic Syndromes, Hereditary; Hereditary Cancer Syndrome. Identifiers: Orphanet 140162, MedGen C0027672, MeSH D009386, MONDO:0015356.
Familial cancer of breast. Also called: Hereditary breast cancer; hereditary breast carcinoma; BREAST CANCER, FAMILIAL. Identifiers: Orphanet 227535, MedGen C0346153, MONDO:0016419, OMIM 114480. Disease mechanism: loss of function.

Submissions (2):

Labcorp Genetics (formerly Invitae), Labcorp
Classification: Uncertain significance for Familial cancer of breast. Last evaluated: 2022-11-23. Review status: criteria provided, single submitter. Criteria: Invitae Variant Classification Sherloc (09022015). Collection method: clinical testing. Allele origin: germline.
Comment: This sequence change replaces valine, which is neutral and non-polar, with leucine, which is neutral and non-polar, at codon 335 of the CHEK2 protein (p.Val335Leu). This variant is present in population databases (no rsID available, gnomAD 0.003%). This missense change has been observed in individual(s) with breast cancer (PMID: 27616075, 30303537). ClinVar contains an entry for this variant (Variation ID: 656556). Algorithms developed to predict the effect of missense changes on protein structure and function are either unavailable or do not agree on the potential impact of this missense change (SIFT: "Deleterious"; PolyPhen-2: "Possibly Damaging"; Align-GVGD: "Class C0"). In summary, the available evidence is currently insufficient to determine the role of this variant in disease. Therefore, it has been classified as a Variant of Uncertain Significance.

Ambry Genetics
Classification: Uncertain significance for Hereditary cancer-predisposing syndrome. Last evaluated: 2022-10-26. Review status: criteria provided, single submitter. Criteria: Ambry Variant Classification Scheme 2023. Collection method: clinical testing. Allele origin: germline.
Comment: The p.V335L variant (also known as c.1003G>T), located in coding exon 8 of the CHEK2 gene, results from a G to T substitution at nucleotide position 1003. The valine at codon 335 is replaced by leucine, an amino acid with highly similar properties. This amino acid position is highly conserved in available vertebrate species. In addition, the in silico prediction for this alteration is inconclusive. Since supporting evidence is limited at this time, the clinical significance of this alteration remains unclear.

Literature cited by the submitters: PubMed 27616075 (cited by Labcorp Genetics (formerly Invitae), Labcorp); PubMed 30303537 (cited by Labcorp Genetics (formerly Invitae), Labcorp).

NM_007194.4(CHEK2):c.1003G>T (p.Val335Leu)

Gene: CHEK2 (checkpoint kinase 2; minus strand). Cytogenetic location: 22q12.1.
Variant type: single nucleotide variant.
Coding change: c.1003G>T on transcript NM_007194.4 (MANE Select); coding-DNA position 1003, G replaced by T.
Protein change: p.Val335Leu; replaces valine 335 with leucine.
Molecular consequence: missense variant.
Genome position (GRCh38, 1-based): chr22:28,699,843, C>A on the plus strand (G>T on the coding strand, the complement: CHEK2 is on the minus strand). VCF-style: chr22-28699843-C-A. GRCh37 (hg19) VCF-style: chr22-29095831-C-A.
Other names: c.1003G>T, p.Val335Leu (NM_145862.3); c.1132G>T, p.Val378Leu (NM_001005735.3); c.340G>T, p.Val114Leu (NM_001257387.3); c.802G>T, p.Val268Leu (NM_001349956.3); short protein forms V268L, V378L, V335L, V114L.
Identifiers: ClinVar variation 656556 (VCV000656556.12), dbSNP rs563752762, ClinGen allele CA411099326.